The following is an entry in ClinVar:

NM_000059.4(BRCA2):c.3262_3263del (p.Pro1088fs)

Gene: BRCA2 (BRCA2 DNA repair associated; plus strand). Cytogenetic location: 13q13.1.
Variant type: Deletion.
Coding change: c.3262_3263del on transcript NM_000059.4 (MANE Select); coding-DNA positions 3262 to 3263, 2 bases deleted (CC; older notation c.3262_3263delCC).
Protein change: p.Pro1088fs; shifts the reading frame from proline 1088.
Molecular consequence: frameshift variant.
Genome position (GRCh38, 1-based): chr13:32,337,617-32,337,618, CC deleted; deleting any 2 consecutive bases within chr13:32,337,615-32,337,618 gives the same sequence; the c. name uses the placement nearest the transcript's 3' end. VCF-style (leftmost placement, unchanged base first): chr13-32337614-ACC-A. GRCh37 (hg19) VCF-style: chr13-32911751-ACC-A.
Other names: 3490delCC; c.3262_3263delCC (NM_000059.3); short protein forms P1088fs.
Identifiers: ClinVar variation 51434 (VCV000051434.7), dbSNP rs80359379, ClinGen allele CA017641.
Genomic context (GRCh38, chr13:32,337,614, plus strand): 5'-ACTGTATCTGCACATTTACAGAGTAGTGTAGTTGTTTCTGATTGTAAAAATAGTCATATA[ACC>A]CCTCAGATGTTATTTTCCAAGCAGGATTTTAATTCAAACCATAATTTAACACCTAGCCAA-3'

ClinVar aggregate classification (germline): Pathogenic. Review status: reviewed by expert panel (3 of 4 stars). 5 submissions from 5 submitters: Pathogenic (1). 4 of the submissions do not count toward it. Last evaluated 2016-09-08.

Conditions:
Hereditary breast ovarian cancer syndrome. Also called: Hereditary breast and ovarian cancer syndrome; Hereditary breast and ovarian cancer; Hereditary breast and ovarian cancer syndrome (HBOC); Breast and ovarian cancer; Hereditary breast and/or ovarian cancer syndrome; BRCA1- and BRCA2-Associated Hereditary Breast and Ovarian Cancer. Identifiers: Orphanet 145, MedGen C0677776, MeSH D061325, MONDO:0003582. Disease mechanism: loss of function.
Hereditary cancer-predisposing syndrome. Also called: Neoplastic Syndromes, Hereditary; Tumor predisposition; Hereditary Cancer Syndrome; Hereditary neoplastic syndrome. Identifiers: Orphanet 140162, MedGen C0027672, MeSH D009386, MONDO:0015356.
Breast-ovarian cancer, familial, susceptibility to, 2 (BROVCA2). Also called: BRCA2 Hereditary Breast and Ovarian Cancer. Identifiers: Orphanet 145, MedGen C2675520, MONDO:0012933, OMIM 612555. Disease mechanism: loss of function.

Submissions (5):

Evidence-based Network for the Interpretation of Germline Mutant Alleles (ENIGMA)
Classification: Pathogenic for Breast-ovarian cancer, familial, susceptibility to, 2. Last evaluated: 2016-09-08. Review status: reviewed by expert panel. Criteria: ENIGMA BRCA1/2 Classification Criteria (2015). Collection method: curation. Allele origin: germline.
Comment: Variant allele predicted to encode a truncated non-functional protein.

Labcorp Genetics (formerly Invitae), Labcorp
Classification: Pathogenic for Hereditary breast ovarian cancer syndrome. Last evaluated: 2025-11-17. Review status: criteria provided, single submitter. Criteria: Invitae Variant Classification Sherloc (09022015). Collection method: clinical testing. Allele origin: germline. Not counted in ClinVar's aggregate classification.
Comment: This sequence change creates a premature translational stop signal (p.Pro1088Serfs*10) in the BRCA2 gene. It is expected to result in an absent or disrupted protein product. Loss-of-function variants in BRCA2 are known to be pathogenic (PMID: 20104584). This variant is not present in population databases (gnomAD no frequency). This variant has not been reported in the literature in individuals affected with BRCA2-related conditions. ClinVar contains an entry for this variant (Variation ID: 51434). For these reasons, this variant has been classified as Pathogenic.

Quest Diagnostics Nichols Institute San Juan Capistrano
Classification: Likely pathogenic. Last evaluated: 2020-09-04. Review status: criteria provided, single submitter. Criteria: Quest Diagnostics criteria. Collection method: clinical testing. Allele origin: unknown. Not counted in ClinVar's aggregate classification.
Comment: This frameshift variant is predicted to cause the premature termination of BRCA2 protein synthesis. To the best of our knowledge, the variant has not been reported in the published literature in individuals affected with BRCA2 related diseases. This variant has not been reported in large, multi-ethnic general populations. Based on the available information, we predict that the variant is likely pathogenic.

Ambry Genetics
Classification: Pathogenic for Hereditary cancer-predisposing syndrome. Last evaluated: 2015-11-15. Review status: criteria provided, single submitter. Criteria: Ambry Variant Classification Scheme 2023. Collection method: clinical testing. Allele origin: germline. Not counted in ClinVar's aggregate classification.
Comment: The c.3262_3263delCC pathogenic mutation, located in coding exon 10 of the BRCA2 gene, results from a deletion of two nucleotides at positions 3262 and 3263, causing a translational frameshift with a predicted alternate stop codon. Since frameshifts are typically deleterious in nature, this alteration is interpreted as a disease-causing mutation (ACMG Recommendations for Standards for Interpretation and Reporting of Sequence Variations. Revision 2007. Genet Med. 2008;10:294).

Breast Cancer Information Core (BIC) (BRCA2)
Classification: Pathogenic for Breast-ovarian cancer, familial 2. Last evaluated: 2003-12-23. Review status: no assertion criteria provided. Collection method: clinical testing. Allele origin: germline. Affected: yes. Observed: 1 variant allele. Not counted in ClinVar's aggregate classification.

Literature cited by the submitters: PubMed 20104584 (cited by Labcorp Genetics (formerly Invitae), Labcorp).